The following is an entry in ClinVar:

NM_004612.4(TGFBR1):c.1335_1338del (p.Cys446fs)

Gene: TGFBR1 (transforming growth factor beta receptor 1; plus strand). Cytogenetic location: 9q22.33.
Variant type: Microsatellite.
Coding change: c.1335_1338del on transcript NM_004612.4 (MANE Select); coding-DNA positions 1335 to 1338, 4 bases deleted (TTGT; older notation c.1335_1338delTTGT).
Protein change: p.Cys446fs; shifts the reading frame from cysteine 446.
Molecular consequence: frameshift variant. On other transcripts: non-coding transcript variant (4).
Genome position (GRCh38, 1-based): chr9:99,147,733-99,147,736, TTGT deleted; deleting any 4 consecutive bases within chr9:99,147,729-99,147,736 gives the same sequence; the c. name uses the placement nearest the transcript's 3' end. VCF-style (leftmost placement, unchanged base first): chr9-99147728-GTTGT-G. GRCh37 (hg19) VCF-style: chr9-101910010-GTTGT-G.
Other names: c.1140_1143del, p.Cys381fs (NM_001407418.1, NM_001407419.1, NM_001407420.1 and 1 more transcripts); c.1128_1131del, p.Cys377fs (NM_001407423.1, NM_001407424.1, NM_001407425.1 and 8 more transcripts); c.1104_1107del, p.Cys369fs (NM_001407435.1, NM_001130916.3); c.1089_1092del, p.Cys364fs (NM_001407436.1); c.627_630del, p.Cys210fs (NM_001407437.1); c.858_861del, p.Cys287fs (NM_001407438.1); c.1347_1350del, p.Cys450fs (NM_001306210.2); c.1179_1182del, p.Cys394fs (NM_001407416.1); and 1 more; short protein forms C210fs, C287fs, C364fs, C369fs, C377fs, C381fs, C390fs, C394fs.
Identifiers: ClinVar variation 3372852 (VCV003372852.1).
Genomic context (GRCh38, chr9:99,147,728, plus strand): 5'-TACCAACTGCCTTATTATGATCTTGTACCTTCTGACCCATCAGTTGAAGAAATGAGAAAA[GTTGT>G]TTGTGAACAGAAGTTAAGGCCAAATATCCCAAACAGATGGCAGAGCTGTGAAGTGAGTAT-3'

ClinVar aggregate classification (germline): Uncertain significance (1 of 4 stars; one submission).

Submission:

GeneDx
Classification: Uncertain significance. Last evaluated: 2024-04-24. Review status: criteria provided, single submitter. Criteria: GeneDx Variant Classification Process June 2021. Collection method: clinical testing. Allele origin: germline. Affected: yes.
Comment: Frameshift variant predicted to result in abnormal protein length as the last 58 amino acids are replaced with 3 different amino acids; Functional studies provide evidence that the variant does not undergo nonsense mediated decay but further analysis on expression levels and/or activity is necessary (PMID: 36599937); Not observed at significant frequency in large population cohorts (gnomAD); This variant is associated with the following publications: (PMID: 36599937)